The following is an entry in ClinVar:

NM_001042681.2(RERE):c.2810C>T (p.Pro937Leu)

Gene: RERE (arginine-glutamic acid dipeptide repeats; minus strand). Cytogenetic location: 1p36.23.
Variant type: single nucleotide variant.
Coding change: c.2810C>T on transcript NM_001042681.2 (MANE Select); coding-DNA position 2810, C replaced by T.
Protein change: p.Pro937Leu; replaces proline 937 with leucine.
Molecular consequence: missense variant.
Genome position (GRCh38, 1-based): chr1:8,360,697, G>A on the plus strand (C>T on the coding strand, the complement: RERE is on the minus strand). VCF-style: chr1-8360697-G-A. GRCh37 (hg19) VCF-style: chr1-8420757-G-A.
Other names: c.1148C>T, p.Pro383Leu (NM_001042682.2); c.2810C>T, p.Pro937Leu (NM_012102.4); short protein forms P383L, P937L.
Identifiers: ClinVar variation 1878327 (VCV001878327.2), dbSNP rs1641532908, ClinGen allele CA338171859.

ClinVar aggregate classification (germline): Uncertain significance (1 of 4 stars; one submission).

Allele frequency attached by ClinVar (database versions not stated): gnomAD exomes below 0.00001; TOPMed below 0.00001.
gnomAD v4.1: 1 of 1,566,070 alleles (0.000064%); highest among the groups gnomAD compares: Non-Finnish European, 0.000086%; no homozygotes.

Submission:

Women's Health and Genetics/Laboratory Corporation of America, LabCorp
Classification: Uncertain significance. Last evaluated: 2025-06-26. Review status: criteria provided, single submitter. Criteria: LabCorp Variant Classification Summary - May 2015. Collection method: clinical testing. Allele origin: germline.
Comment: Variant summary: RERE c.2810C>T (p.Pro937Leu) results in a non-conservative amino acid change in the encoded protein sequence. Algorithms developed to predict the effect of missense changes on protein structure and function are either unavailable or do not agree on the potential impact of this missense change. The variant was absent in 202702 control chromosomes. The available data on variant occurrences in the general population are insufficient to allow any conclusion about variant significance. To our knowledge, no occurrence of c.2810C>T in individuals affected with Neurodevelopmental Disorder With Or Without Anomalies Of The Brain, Eye, Or Heart and no experimental evidence demonstrating its impact on protein function have been reported. ClinVar contains an entry for this variant (Variation ID: 1878327). Based on the evidence outlined above, the variant was classified as uncertain significance.